The following is an entry in ClinVar:

ClinVar aggregate classification (germline): Benign/Likely benign. Review status: criteria provided, multiple submitters, no conflicts (2 of 4 stars). 5 submissions from 5 submitters: Benign (1); Likely benign (4). Last evaluated 2025-07-27.

Conditions:
Hereditary cancer-predisposing syndrome. Also called: Hereditary neoplastic syndrome; Hereditary Cancer Syndrome; Neoplastic Syndromes, Hereditary; Tumor predisposition. Identifiers: Orphanet 140162, MedGen C0027672, MeSH D009386, MONDO:0015356.
Familial adenomatous polyposis 1 (FAP1). Also called: FAMILIAL ADENOMATOUS POLYPOSIS 1, ATTENUATED; POLYPOSIS, ADENOMATOUS INTESTINAL. Identifiers: MedGen C2713442, MONDO:0021056, OMIM 175100. Disease mechanism: loss of function.

Allele frequency attached by ClinVar (database versions not stated): gnomAD exomes below 0.00001 and 0.00001.
gnomAD v4.1: 8 of 1,613,118 alleles (0.0005%); highest among the groups gnomAD compares: Non-Finnish European, 0.00068%; no homozygotes.

Submissions (5):

Labcorp Genetics (formerly Invitae), Labcorp
Classification: Likely benign for Familial adenomatous polyposis 1. Last evaluated: 2025-07-27. Review status: criteria provided, single submitter. Criteria: Invitae Variant Classification Sherloc (09022015). Collection method: clinical testing. Allele origin: germline.

Myriad Genetics, Inc.
Classification: Benign for Familial adenomatous polyposis 1. Last evaluated: 2024-03-07. Review status: criteria provided, single submitter. Criteria: Myriad Autosomal Dominant, Autosomal Recessive and X-Linked Classification Criteria (2023). Collection method: clinical testing. Allele origin: unknown.
Comment: This variant is considered benign. This variant is a silent/synonymous amino acid change and it is not expected to impact splicing.

Color Diagnostics, LLC DBA Color Health
Classification: Likely benign for Hereditary cancer-predisposing syndrome. Last evaluated: 2023-08-31. Review status: criteria provided, single submitter. Criteria: ACMG Guidelines, 2015. Collection method: clinical testing. Allele origin: germline.

GeneDx
Classification: Likely benign. Last evaluated: 2017-11-16. Review status: criteria provided, single submitter. Criteria: GeneDx Variant Classification (06012015). Collection method: clinical testing. Allele origin: germline. Affected: yes.
Comment: This variant is considered likely benign or benign based on one or more of the following criteria: it is a conservative change, it occurs at a poorly conserved position in the protein, it is predicted to be benign by multiple in silico algorithms, and/or has population frequency not consistent with disease.

Ambry Genetics
Classification: Likely benign for Hereditary cancer-predisposing syndrome. Last evaluated: 2015-10-08. Review status: criteria provided, single submitter. Criteria: Ambry Variant Classification Scheme 2023. Collection method: clinical testing. Allele origin: germline.

NM_000038.6(APC):c.1593C>G (p.Ala531=)

Gene: APC (APC regulator of Wnt signaling pathway; plus strand). Cytogenetic location: 5q22.2.
Variant type: single nucleotide variant.
Coding change: c.1593C>G on transcript NM_000038.6 (MANE Select); coding-DNA position 1593, C replaced by G.
Protein change: p.Ala531=; no amino-acid change (alanine 531 retained).
Molecular consequence: synonymous variant.
Genome position (GRCh38, 1-based): chr5:112,827,973, C>G. VCF-style: chr5-112827973-C-G. GRCh37 (hg19) VCF-style: chr5-112163670-C-G.
Other names: c.1593C>G, p.Ala531= (NM_001127510.3, NM_001354895.2); c.1539C>G, p.Ala513= (NM_001127511.3); c.1647C>G, p.Ala549= (NM_001354896.2); c.1623C>G, p.Ala541= (NM_001354897.2); c.1518C>G, p.Ala506= (NM_001354898.2); c.1509C>G, p.Ala503= (NM_001354899.2); c.1470C>G, p.Ala490= (NM_001354900.2); c.1416C>G, p.Ala472= (NM_001354901.2); and 5 more.
Identifiers: ClinVar variation 236562 (VCV000236562.15), dbSNP rs878853418, ClinGen allele CA10582289.